The following is an entry in ClinVar:

ClinVar aggregate classification (germline): Uncertain significance (1 of 4 stars; one submission).

Conditions:
Hyperkalemic periodic paralysis. Also called: Familial hyperkalemic periodic paralysis; Gamstorp disease. Identifiers: Orphanet 682, MedGen C0238357, MONDO:0008224, OMIM 170500, HP:0007215.

Submission:

Labcorp Genetics (formerly Invitae), Labcorp
Classification: Uncertain significance for Hyperkalemic periodic paralysis. Last evaluated: 2020-05-23. Review status: criteria provided, single submitter. Criteria: Invitae Variant Classification Sherloc (09022015). Collection method: clinical testing. Allele origin: germline.
Comment: In summary, the available evidence is currently insufficient to determine the role of this variant in disease. Therefore, it has been classified as a Variant of Uncertain Significance. Algorithms developed to predict the effect of sequence changes on RNA splicing suggest that this variant may create or strengthen a splice site, but this prediction has not been confirmed by published transcriptional studies. Algorithms developed to predict the effect of missense changes on protein structure and function are either unavailable or do not agree on the potential impact of this missense change (SIFT: "Deleterious"; PolyPhen-2: "Benign"; Align-GVGD: "Class C15"). This variant has not been reported in the literature in individuals with SCN4A-related conditions. This variant is not present in population databases (ExAC no frequency). This sequence change replaces glycine with cysteine at codon 898 of the SCN4A protein (p.Gly898Cys). The glycine residue is moderately conserved and there is a large physicochemical difference between glycine and cysteine.

NM_000334.4(SCN4A):c.2692G>T (p.Gly898Cys)

Genes: GH-LCR (growth hormone locus control region; plus strand), SCN4A (sodium voltage-gated channel alpha subunit 4; minus strand). Cytogenetic location: 17q23.3.
Variant type: single nucleotide variant.
Coding change: c.2692G>T on transcript NM_000334.4 (MANE Select); coding-DNA position 2692, G replaced by T.
Protein change: p.Gly898Cys; replaces glycine 898 with cysteine.
Molecular consequence: missense variant.
Genome position (GRCh38, 1-based): chr17:63,951,585, C>A on the plus strand (G>T on the coding strand, the complement: SCN4A is on the minus strand). VCF-style: chr17-63951585-C-A. GRCh37 (hg19) VCF-style: chr17-62028945-C-A.
Other names: short protein forms G898C.
Identifiers: ClinVar variation 1024352 (VCV001024352.9), dbSNP rs1908911247, ClinGen allele CA400625675.
Genomic context (GRCh38, chr17:63,951,585, plus strand): 5'-GGTTGTTGATGAAGTTAAGGTGGTCCAGCTCGAGGCTGGATGGGGGGCCGTCAGCCAGGC[C>A]CATGTGGTTCAGGATGTGATTGTCCTTCTTCAGGTCCTCCTCGGGCGGCTCCTTCTTCTC-3'
Protein context (NP_000325.4, residues 888-908): KKDNHILNHM[Gly898Cys]LADGPPSSLE